The following is an entry in ClinVar:

NM_000051.4(ATM):c.1430A>T (p.Lys477Met)

Gene: ATM (ATM serine/threonine kinase; plus strand). Cytogenetic location: 11q22.3.
Variant type: single nucleotide variant.
Coding change: c.1430A>T on transcript NM_000051.4 (MANE Select); coding-DNA position 1430, A replaced by T.
Protein change: p.Lys477Met; replaces lysine 477 with methionine.
Molecular consequence: missense variant.
Genome position (GRCh38, 1-based): chr11:108,250,895, A>T. VCF-style: chr11-108250895-A-T. GRCh37 (hg19) VCF-style: chr11-108121622-A-T.
Other names: c.1430A>T, p.Lys477Met (NM_001351834.2); short protein forms K477M.
Identifiers: ClinVar variation 4618375 (VCV004618375.1).

ClinVar aggregate classification (germline): Uncertain significance (1 of 4 stars; one submission).

Conditions:
Hereditary cancer-predisposing syndrome. Also called: Neoplastic Syndromes, Hereditary; Tumor predisposition; Hereditary Cancer Syndrome; Hereditary neoplastic syndrome. Identifiers: Orphanet 140162, MedGen C0027672, MeSH D009386, MONDO:0015356.

Submission:

Ambry Genetics
Classification: Uncertain significance for Hereditary cancer-predisposing syndrome. Last evaluated: 2025-11-13. Review status: criteria provided, single submitter. Criteria: Ambry Variant Classification Scheme 2023. Collection method: clinical testing. Allele origin: germline.
Comment: The p.K477M variant (also known as c.1430A>T), located in coding exon 9 of the ATM gene, results from an A to T substitution at nucleotide position 1430. The lysine at codon 477 is replaced by methionine, an amino acid with similar properties. This amino acid position is conserved. In addition, this alteration is predicted to be tolerated by in silico analysis. Based on the available evidence, the clinical significance of this variant remains unclear.